The following is an entry in ClinVar:

ClinVar aggregate classification (germline): Likely benign (1 of 4 stars; one submission).

Allele frequency attached by ClinVar (database versions not stated): gnomAD exomes below 0.00001; TOPMed below 0.00001; gnomAD 0.00001.
gnomAD v4.1: 7 of 1,612,530 alleles (0.00043%); highest among the groups gnomAD compares: Middle Eastern, 0.066%; no homozygotes.

Submission:

CeGaT Center for Human Genetics Tuebingen
Classification: Likely benign. Last evaluated: 2023-02-01. Review status: criteria provided, single submitter. Criteria: CeGaT Center For Human Genetics Tuebingen Variant Classification Criteria Version 2. Collection method: clinical testing. Allele origin: germline. Affected: yes. Observed: 1 variant allele.
Comment: TCOF1: BP4, BP7

NM_001371623.1(TCOF1):c.4254A>G (p.Pro1418=)

Gene: TCOF1 (treacle ribosome biogenesis factor 1; plus strand). Cytogenetic location: 5q32.
Variant type: single nucleotide variant.
Coding change: c.4254A>G on transcript NM_001371623.1 (MANE Select); coding-DNA position 4254, A replaced by G.
Protein change: p.Pro1418=; no amino-acid change (proline 1418 retained).
Molecular consequence: synonymous variant.
Genome position (GRCh38, 1-based): chr5:150,396,751, A>G. VCF-style: chr5-150396751-A-G. GRCh37 (hg19) VCF-style: chr5-149776314-A-G.
Other names: c.4251A>G, p.Pro1417= (NM_001135243.2); c.4140A>G, p.Pro1380= (NM_001135244.2); c.4023A>G, p.Pro1341= (NM_001135245.2); c.4137A>G, p.Pro1379= (NM_001195141.2); c.4020A>G, p.Pro1340= (NM_000356.4).
Identifiers: ClinVar variation 2655931 (VCV002655931.24), dbSNP rs1768612509, ClinGen allele CA447409470.